The following is an entry in ClinVar:

NM_001035.3(RYR2):c.11881-13T>A

Gene: RYR2 (ryanodine receptor 2; plus strand). Cytogenetic location: 1q43.
Variant type: single nucleotide variant.
Coding change: c.11881-13T>A on transcript NM_001035.3 (MANE Select); 13 bases into the intron before coding-DNA position 11881, T replaced by A.
Molecular consequence: intron variant.
Genome position (GRCh38, 1-based): chr1:237,781,552, T>A. VCF-style: chr1-237781552-T-A. GRCh37 (hg19) VCF-style: chr1-237944852-T-A.
Identifiers: ClinVar variation 4758738 (VCV004758738.1).

ClinVar aggregate classification (germline): Uncertain significance (1 of 4 stars; one submission).

Conditions:
Cardiomyopathy (CMYO). Also called: Cardiomyopathies. Identifiers: Orphanet 167848, MedGen C0878544, MONDO:0004994, HP:0001638. Inheritance: Various modes of inheritance.

Submission:

Color Diagnostics, LLC DBA Color Health
Classification: Uncertain significance for Cardiomyopathy. Last evaluated: 2025-05-20. Review status: criteria provided, single submitter. Criteria: ACMG Guidelines, 2015. Collection method: clinical testing. Allele origin: germline.
Comment: This variant causes a T to A nucleotide substitution at the -13 position of intron 88 of the RYR2 gene. To our knowledge, functional studies have not been reported for this variant. This variant has not been reported in individuals affected with RYR2-related disorders in the literature. This variant has not been identified in the general population by the Genome Aggregation Database (gnomAD). The available evidence is insufficient to determine the role of this variant in disease conclusively. Therefore, this variant is classified as a Variant of Uncertain Significance.